The following is an entry in ClinVar:

NM_000051.4(ATM):c.1977G>A (p.Lys659=)

Gene: ATM (ATM serine/threonine kinase; plus strand). Cytogenetic location: 11q22.3.
Variant type: single nucleotide variant.
Coding change: c.1977G>A on transcript NM_000051.4 (MANE Select); coding-DNA position 1977, G replaced by A.
Protein change: p.Lys659=; no amino-acid change (lysine 659 retained).
Molecular consequence: synonymous variant.
Genome position (GRCh38, 1-based): chr11:108,253,892, G>A. VCF-style: chr11-108253892-G-A. GRCh37 (hg19) VCF-style: chr11-108124619-G-A.
Other names: c.1977G>A, p.Lys659= (NM_001351834.2).
Identifiers: ClinVar variation 1148992 (VCV001148992.10), dbSNP rs1060501565, ClinGen allele CA476672393.

ClinVar aggregate classification (germline): Benign/Likely benign. Review status: criteria provided, multiple submitters, no conflicts (2 of 4 stars). 2 submissions from 2 submitters: Benign (1); Likely benign (1). Last evaluated 2024-09-23.

Conditions:
Familial cancer of breast. Also called: BREAST CANCER, FAMILIAL; Hereditary breast cancer; hereditary breast carcinoma. Identifiers: Orphanet 227535, MedGen C0346153, MONDO:0016419, OMIM 114480. Disease mechanism: loss of function.
Ataxia-telangiectasia syndrome (AT). Also called: Ataxia-telangiectasia; Cerebello-oculocutaneous telangiectasia; Immunodeficiency with ataxia telangiectasia; Ataxia-telangiectasia, complementation group D; AT, COMPLEMENTATION GROUP C; Ataxia telangiectasia (A-T). Identifiers: Orphanet 100, MedGen C0004135, MONDO:0008840, OMIM 208900.

gnomAD v4.1: 1 of 1,614,042 alleles (0.000062%); highest among the groups gnomAD compares: Non-Finnish European, 0.000085%; no homozygotes.

Submissions (2):

Labcorp Genetics (formerly Invitae), Labcorp
Classification: Likely benign for Ataxia-telangiectasia syndrome. Last evaluated: 2024-09-23. Review status: criteria provided, single submitter. Criteria: Invitae Variant Classification Sherloc (09022015). Collection method: clinical testing. Allele origin: germline.

Myriad Genetics, Inc.
Classification: Benign for Familial cancer of breast. Last evaluated: 2024-05-02. Review status: criteria provided, single submitter. Criteria: Myriad Autosomal Dominant, Autosomal Recessive and X-Linked Classification Criteria (2023). Collection method: clinical testing. Allele origin: unknown.
Comment: This variant is considered benign. This variant is a silent/synonymous amino acid change and it is not expected to impact splicing.